The following is an entry in ClinVar:

ClinVar aggregate classification (germline): Conflicting classifications of pathogenicity. Review status: criteria provided, conflicting classifications (1 of 4 stars). 2 submissions from 2 submitters: Likely pathogenic (1); Uncertain significance (1). Last evaluated 2025-12-10.

Conditions:
Isovaleryl-CoA dehydrogenase deficiency (IVA). Also called: Isovaleric acidemia; Classic Isovaleric Acidemia; ISOVALERIC ACID CoA DEHYDROGENASE DEFICIENCY; IVD DEFICIENCY. Identifiers: Orphanet 33, MedGen C0268575, MONDO:0009475, OMIM 243500.

Submissions (2):

Natera, Inc.
Classification: Likely pathogenic for Isovaleryl-coa dehydrogenase deficiency. Last evaluated: 2025-12-10. Review status: criteria provided, single submitter. Criteria: Natera Variant Classification Schema (03/2026). Collection method: clinical testing. Allele origin: germline.
Comment: The c.134T>G variant in IVD is a missense variant predicted to cause substitution of leucine to arginine at amino acid 45. This variant is rare in the general population with a frequency below the threshold expected for the associated phenotype(s). This variant has been observed in one or more individuals affected with the associated recessive disease, as either homozygous or compound heterozygous with a second variant (PMID: 31998365, 33072985). Computational prediction algorithms indicate this variant is likely to affect gene or protein function. Given the available evidence, this variant is classified as Likely Pathogenic.

Labcorp Genetics (formerly Invitae), Labcorp
Classification: Uncertain significance for Isovaleryl-CoA dehydrogenase deficiency. Last evaluated: 2021-04-16. Review status: criteria provided, single submitter. Criteria: Invitae Variant Classification Sherloc (09022015). Collection method: clinical testing. Allele origin: germline.
Comment: This variant is not present in population databases (ExAC no frequency). This variant has not been reported in the literature in individuals with IVD-related conditions. Algorithms developed to predict the effect of missense changes on protein structure and function (SIFT, PolyPhen-2, Align-GVGD) all suggest that this variant is likely to be disruptive, but these predictions have not been confirmed by published functional studies and their clinical significance is uncertain. In summary, the available evidence is currently insufficient to determine the role of this variant in disease. Therefore, it has been classified as a Variant of Uncertain Significance. This sequence change replaces leucine with arginine at codon 45 of the IVD protein (p.Leu45Arg). The leucine residue is highly conserved and there is a moderate physicochemical difference between leucine and arginine.

Literature cited by the submitters: PubMed 31998365 (cited by Natera, Inc.); PubMed 33072985 (cited by Natera, Inc.).

NM_002225.5(IVD):c.125T>G (p.Leu42Arg)

Gene: IVD (isovaleryl-CoA dehydrogenase; plus strand). Cytogenetic location: 15q15.1.
Variant type: single nucleotide variant.
Coding change: c.125T>G on transcript NM_002225.5 (MANE Select); coding-DNA position 125, T replaced by G.
Protein change: p.Leu42Arg; replaces leucine 42 with arginine.
Molecular consequence: missense variant. On other transcripts: 5 prime UTR variant (1), non-coding transcript variant (1).
Genome position (GRCh38, 1-based): chr15:40,405,952, T>G. VCF-style: chr15-40405952-T-G. GRCh37 (hg19) VCF-style: chr15-40698153-T-G.
Other names: c.125T>G, p.Leu42Arg (NM_001159508.3, NM_001354598.3, NM_001354599.3 and 2 more transcripts); c.-303T>G (NM_001354597.3); c.134T>G (NM_002225.3); short protein forms L42R.
Identifiers: ClinVar variation 1519390 (VCV001519390.9), dbSNP rs121434284, ClinGen allele CA391743803.